The following is an entry in ClinVar:

NM_022039.4(FBXW4):c.1274C>T (p.Ser425Leu)

Gene: FBXW4 (F-box and WD repeat domain containing 4; minus strand). Cytogenetic location: 10q24.32.
Variant type: single nucleotide variant.
Coding change: c.1274C>T on transcript NM_022039.4 (MANE Select); coding-DNA position 1274, C replaced by T.
Protein change: p.Ser425Leu; replaces serine 425 with leucine.
Molecular consequence: missense variant. On other transcripts: non-coding transcript variant (1).
Genome position (GRCh38, 1-based): chr10:101,624,772, G>A on the plus strand (C>T on the coding strand, the complement: FBXW4 is on the minus strand). VCF-style: chr10-101624772-G-A. GRCh37 (hg19) VCF-style: chr10-103384529-G-A.
Other names: c.548C>T, p.Ser183Leu (NM_001323541.2); short protein forms S183L, S425L.
Identifiers: ClinVar variation 3669974 (VCV003669974.2).

ClinVar aggregate classification (germline): Uncertain significance (1 of 4 stars; one submission).

gnomAD v4.1: 1 of 1,614,228 alleles (0.000062%); highest among the groups gnomAD compares: Admixed American, 0.0017%; no homozygotes.

Submission:

Labcorp Genetics (formerly Invitae), Labcorp
Classification: Uncertain significance. Last evaluated: 2025-04-08. Review status: criteria provided, single submitter. Criteria: Invitae Variant Classification Sherloc (09022015). Collection method: clinical testing. Allele origin: germline.
Comment: This sequence change replaces serine, which is neutral and polar, with leucine, which is neutral and non-polar, at codon 270 of the FBXW4 protein (p.Ser270Leu). This variant is present in population databases (rs777574714, gnomAD 0.003%). This variant has not been reported in the literature in individuals affected with FBXW4-related conditions. ClinVar contains an entry for this variant (Variation ID: 3669974). An algorithm developed to predict the effect of missense changes on protein structure and function (PolyPhen-2) suggests that this variant is likely to be tolerated. In summary, the available evidence is currently insufficient to determine the role of this variant in disease. Therefore, it has been classified as a Variant of Uncertain Significance.